The following is an entry in ClinVar:

NM_004655.4(AXIN2):c.1424C>G (p.Ser475Trp)

Gene: AXIN2 (axin 2; minus strand). Cytogenetic location: 17q24.1.
Variant type: single nucleotide variant.
Coding change: c.1424C>G on transcript NM_004655.4 (MANE Select); coding-DNA position 1424, C replaced by G.
Protein change: p.Ser475Trp; replaces serine 475 with tryptophan.
Molecular consequence: missense variant.
Genome position (GRCh38, 1-based): chr17:65,537,612, G>C on the plus strand (C>G on the coding strand, the complement: AXIN2 is on the minus strand). VCF-style: chr17-65537612-G-C. GRCh37 (hg19) VCF-style: chr17-63533730-G-C.
Other names: c.1424C>G, p.Ser475Trp (NM_001363813.1); short protein forms S475W.
Identifiers: ClinVar variation 1772328 (VCV001772328.3), dbSNP rs950007141, ClinGen allele CA293098294.
Genomic context (GRCh38, chr17:65,537,612, plus strand): 5'-CCCGGCGAGGCGGCCGCGGGAGGCAGCTTGCCACCGGGCGGGAGCAGGGAGTGGTACTGC[G>C]AATGGTGGTGGTGGTGGTGGTCCGGGGAGCGGGAGCGGGGGCTATAGCGGCCTACGCCTG-3'
Protein context (NP_004646.3, residues 465-485): RSPDHHHHHH[Ser475Trp]QYHSLLPPGG

ClinVar aggregate classification (germline): Uncertain significance. Review status: criteria provided, multiple submitters, no conflicts (2 of 4 stars). 2 submissions from 2 submitters: Uncertain significance (2). Last evaluated 2025-11-05.

Conditions:
Hereditary cancer-predisposing syndrome. Also called: Hereditary Cancer Syndrome; Hereditary neoplastic syndrome; Neoplastic Syndromes, Hereditary; Tumor predisposition. Identifiers: Orphanet 140162, MedGen C0027672, MeSH D009386, MONDO:0015356.
Oligodontia-cancer predisposition syndrome. Also called: TOOTH AGENESIS-COLORECTAL CANCER SYNDROME. Identifiers: Orphanet 300576, MedGen C1837750, MONDO:0012075, OMIM 608615. Disease mechanism: loss of function.

Allele frequency attached by ClinVar (database versions not stated): gnomAD 0.00001.

Submissions (2):

Labcorp Genetics (formerly Invitae), Labcorp
Classification: Uncertain significance for Oligodontia-cancer predisposition syndrome. Last evaluated: 2025-11-05. Review status: criteria provided, single submitter. Criteria: Invitae Variant Classification Sherloc (09022015). Collection method: clinical testing. Allele origin: germline.
Comment: This sequence change replaces serine, which is neutral and polar, with tryptophan, which is neutral and slightly polar, at codon 475 of the AXIN2 protein (p.Ser475Trp). This variant is present in population databases (no rsID available, gnomAD 0.007%). This variant has not been reported in the literature in individuals affected with AXIN2-related conditions. ClinVar contains an entry for this variant (Variation ID: 1772328). An algorithm developed to predict the effect of missense changes on protein structure and function (PolyPhen-2) suggests that this variant is likely to be tolerated. In summary, the available evidence is currently insufficient to determine the role of this variant in disease. Therefore, it has been classified as a Variant of Uncertain Significance.

Ambry Genetics
Classification: Uncertain significance for Hereditary cancer-predisposing syndrome. Last evaluated: 2021-09-29. Review status: criteria provided, single submitter. Criteria: Ambry Variant Classification Scheme 2023. Collection method: clinical testing. Allele origin: germline.
Comment: The p.S475W variant (also known as c.1424C>G), located in coding exon 5 of the AXIN2 gene, results from a C to G substitution at nucleotide position 1424. The serine at codon 475 is replaced by tryptophan, an amino acid with highly dissimilar properties. This amino acid position is conserved. In addition, this alteration is predicted to be tolerated by in silico analysis. Since supporting evidence is limited at this time, the clinical significance of this alteration remains unclear.